The following is an entry in ClinVar:

ClinVar aggregate classification (germline): Uncertain significance (1 of 4 stars; one submission).

gnomAD v4.1: 2 of 1,613,958 alleles (0.00012%); highest among the groups gnomAD compares: Non-Finnish European, 0.00017%; no homozygotes.

Submission:

Labcorp Genetics (formerly Invitae), Labcorp
Classification: Uncertain significance. Last evaluated: 2021-04-23. Review status: criteria provided, single submitter. Criteria: Invitae Variant Classification Sherloc (09022015). Collection method: clinical testing. Allele origin: germline.
Comment: In summary, the available evidence is currently insufficient to determine the role of this variant in disease. Therefore, it has been classified as a Variant of Uncertain Significance. Algorithms developed to predict the effect of missense changes on protein structure and function are either unavailable or do not agree on the potential impact of this missense change (SIFT: "Tolerated"; PolyPhen-2: "Possibly Damaging"; Align-GVGD: "Class C0"). This variant has not been reported in the literature in individuals with CTR9-related conditions. This variant is not present in population databases (ExAC no frequency). This sequence change replaces methionine with valine at codon 378 of the CTR9 protein (p.Met378Val). The methionine residue is highly conserved and there is a small physicochemical difference between methionine and valine.

NM_014633.5(CTR9):c.1132A>G (p.Met378Val)

Genes: CTR9 (CTR9 component of Paf1/RNA polymerase II complex; plus strand), LOC126861140 (CDK7 strongly-dependent group 2 enhancer GRCh37_chr11:10785333-10786532; plus strand). Cytogenetic location: 11p15.4.
Variant type: single nucleotide variant.
Coding change: c.1132A>G on transcript NM_014633.5 (MANE Select); coding-DNA position 1132, A replaced by G.
Protein change: p.Met378Val; replaces methionine 378 with valine.
Molecular consequence: missense variant.
Genome position (GRCh38, 1-based): chr11:10,763,817, A>G. VCF-style: chr11-10763817-A-G. GRCh37 (hg19) VCF-style: chr11-10785364-A-G.
Other names: c.1132A>G, p.Met378Val (NM_001346279.2); short protein forms M378V.
Identifiers: ClinVar variation 1346005 (VCV001346005.8), dbSNP rs1863015119, ClinGen allele CA379665185.
Genomic context (GRCh38, chr11:10,763,817, plus strand): 5'-GAAAATGCATCTCAGTGCTTTGAGAAGGTTTTGAAAGCTTATCCTAATAATTACGAAACT[A>G]TGAAAATTCTCGGCTCTCTCTATGCTGCCTCAGAAGATCAAGAAAAACGAGATATTGCCA-3'
Protein context (NP_055448.1, residues 368-388): LKAYPNNYET[Met378Val]KILGSLYAAS